The following is an entry in ClinVar:

NM_000760.4(CSF3R):c.1723T>C (p.Ser575Pro)

Gene: CSF3R (colony stimulating factor 3 receptor; minus strand). Cytogenetic location: 1p34.3.
Variant type: single nucleotide variant.
Coding change: c.1723T>C on transcript NM_000760.4 (MANE Select); coding-DNA position 1723, T replaced by C.
Protein change: p.Ser575Pro; replaces serine 575 with proline.
Molecular consequence: missense variant.
Genome position (GRCh38, 1-based): chr1:36,468,075, A>G on the plus strand (T>C on the coding strand, the complement: CSF3R is on the minus strand). VCF-style: chr1-36468075-A-G. GRCh37 (hg19) VCF-style: chr1-36933676-A-G.
Other names: c.1723T>C, p.Ser575Pro (NM_156039.3, NM_172313.3); short protein forms S575P.
Identifiers: ClinVar variation 2809001 (VCV002809001.3), dbSNP rs2521739614, ClinGen allele CA339418085.

ClinVar aggregate classification (germline): Uncertain significance (1 of 4 stars; one submission).

Conditions:
Autosomal recessive severe congenital neutropenia due to CSF3R deficiency. Also called: Neutropenia, severe congenital, 7, autosomal recessive. Identifiers: Orphanet 420702, MedGen C4310764, MONDO:0014865, OMIM 617014.

Submission:

Labcorp Genetics (formerly Invitae), Labcorp
Classification: Uncertain significance for Autosomal recessive severe congenital neutropenia due to CSF3R deficiency. Last evaluated: 2023-10-14. Review status: criteria provided, single submitter. Criteria: Invitae Variant Classification Sherloc (09022015). Collection method: clinical testing. Allele origin: germline.
Comment: This sequence change replaces serine, which is neutral and polar, with proline, which is neutral and non-polar, at codon 575 of the CSF3R protein (p.Ser575Pro). This variant is not present in population databases (gnomAD no frequency). This variant has not been reported in the literature in individuals affected with CSF3R-related conditions. An algorithm developed to predict the effect of missense changes on protein structure and function (PolyPhen-2) suggests that this variant is likely to be disruptive. In summary, the available evidence is currently insufficient to determine the role of this variant in disease. Therefore, it has been classified as a Variant of Uncertain Significance.